The following is an entry in ClinVar:

ClinVar aggregate classification (germline): Benign. Review status: criteria provided, multiple submitters, no conflicts (2 of 4 stars). 3 submissions from 3 submitters: Benign (2). 1 of the submissions does not count toward it. Last evaluated 2026-01-12.

Conditions:
UNC45B-related disorder. Also called: UNC45B-related condition.

Allele frequency attached by ClinVar (database versions not stated): gnomAD 0.00008 and 0.00009; gnomAD exomes 0.00009 and 0.00055; TOPMed 0.00024; ExAC 0.00053.

Submissions (3):

Labcorp Genetics (formerly Invitae), Labcorp
Classification: Benign. Last evaluated: 2026-01-12. Review status: criteria provided, single submitter. Criteria: Invitae Variant Classification Sherloc (09022015). Collection method: clinical testing. Allele origin: germline.

CeGaT Center for Human Genetics Tuebingen
Classification: Benign. Last evaluated: 2025-11-01. Review status: criteria provided, single submitter. Criteria: CeGaT Center For Human Genetics Tuebingen Variant Classification Criteria Version 2. Collection method: clinical testing. Allele origin: germline. Affected: yes. Observed: 2 variant alleles.
Comment: UNC45B: BP4, BS1, BS2

PreventionGenetics, part of Exact Sciences
Classification: Benign for UNC45B-related condition. Last evaluated: 2020-02-20. Review status: no assertion criteria provided. Collection method: clinical testing. Allele origin: germline. Not counted in ClinVar's aggregate classification.
Comment: This variant is classified as benign based on ACMG/AMP sequence variant interpretation guidelines (Richards et al. 2015 PMID: 25741868, with internal and published modifications).

NM_001267052.2(UNC45B):c.2514C>T (p.Leu838=)

Gene: UNC45B (unc-45 myosin chaperone B; plus strand). Cytogenetic location: 17q12.
Variant type: single nucleotide variant.
Coding change: c.2514C>T on transcript NM_001267052.2 (MANE Select); coding-DNA position 2514, C replaced by T.
Protein change: p.Leu838=; no amino-acid change (leucine 838 retained).
Molecular consequence: synonymous variant.
Genome position (GRCh38, 1-based): chr17:35,183,567, C>T. VCF-style: chr17-35183567-C-T. GRCh37 (hg19) VCF-style: chr17-33510586-C-T.
Other names: c.2514C>T, p.Leu838= (NM_001033576.2); c.2277C>T, p.Leu759= (NM_001308281.1); c.2520C>T, p.Leu840= (NM_173167.3).
Identifiers: ClinVar variation 708333 (VCV000708333.18), dbSNP rs768374302, ClinGen allele CA8501552.